The following is an entry in ClinVar:

NM_153676.4(USH1C):c.387+8_387+11del

Gene: USH1C (USH1 protein network component harmonin; minus strand). Cytogenetic location: 11p15.1.
Variant type: Deletion.
Coding change: c.387+8_387+11del on transcript NM_153676.4 (MANE Select); bases 8 to 11 of the intron after coding-DNA position 387, 4 bases deleted (AACA; older notation c.387+8_387+11delAACA).
Molecular consequence: intron variant.
Genome position (GRCh38, 1-based): chr11:17,531,143-17,531,146, TGTT deleted on the plus strand (AACA on the coding strand, the reverse complement: USH1C is on the minus strand); deleting any 4 consecutive bases within chr11:17,531,143-17,531,148 gives the same sequence; the c. name uses the placement nearest the transcript's 3' end. VCF-style (leftmost placement, unchanged base first): chr11-17531142-CTGTT-C. GRCh37 (hg19) VCF-style: chr11-17552689-CTGTT-C.
Other names: c.387+8_387+11del (NM_001297764.2, NM_005709.4); c.387+8_387+11delAACA (NM_153676.3).
Identifiers: ClinVar variation 1118836 (VCV001118836.11), dbSNP rs1258477298, ClinGen allele CA597904703.

ClinVar aggregate classification (germline): Likely benign. Review status: criteria provided, single submitter (1 of 4 stars). 2 submissions from 2 submitters: Likely benign (1). 1 of the submissions does not count toward it. Last evaluated 2023-03-02.

Conditions:
USH1C-related disorder. Also called: USH1C-related condition.

Submissions (2):

Labcorp Genetics (formerly Invitae), Labcorp
Classification: Likely benign. Last evaluated: 2023-03-02. Review status: criteria provided, single submitter. Criteria: Invitae Variant Classification Sherloc (09022015). Collection method: clinical testing. Allele origin: germline.

PreventionGenetics, part of Exact Sciences
Classification: Likely benign for USH1C-related condition. Last evaluated: 2019-02-26. Review status: no assertion criteria provided. Collection method: clinical testing. Allele origin: germline. Not counted in ClinVar's aggregate classification.
Comment: This variant is classified as likely benign based on ACMG/AMP sequence variant interpretation guidelines (Richards et al. 2015 PMID: 25741868, with internal and published modifications).